The following is an entry in ClinVar:

NM_207361.6(FREM2):c.7535G>A (p.Arg2512His)

Gene: FREM2 (FRAS1 related extracellular matrix 2; plus strand). Cytogenetic location: 13q13.3.
Variant type: single nucleotide variant.
Coding change: c.7535G>A on transcript NM_207361.6 (MANE Select); coding-DNA position 7535, G replaced by A.
Protein change: p.Arg2512His; replaces arginine 2512 with histidine.
Molecular consequence: missense variant.
Genome position (GRCh38, 1-based): chr13:38,861,446, G>A. VCF-style: chr13-38861446-G-A. GRCh37 (hg19) VCF-style: chr13-39435583-G-A.
Other names: short protein forms R2512H.
Identifiers: ClinVar variation 435265 (VCV000435265.18), dbSNP rs61978626, ClinGen allele CA6955905.

ClinVar aggregate classification (germline): Uncertain significance. Review status: criteria provided, multiple submitters, no conflicts (2 of 4 stars). 8 submissions from 8 submitters: Uncertain significance (7). 1 of the submissions does not count toward it. Last evaluated 2026-06-02.

Conditions:
Isolated cryptophthalmia. Also called: ANKYLOBLEPHARON, SIMPLE; Cryptophthalmos, unilateral or bilateral, isolated. Identifiers: Orphanet 91396, MedGen C1852453, MONDO:0007410, OMIM 123570.
Fraser syndrome 2 (FRASRS2). Identifiers: MedGen C4540036, MONDO:0054738, OMIM 617666.
Congenital anomaly of kidney and urinary tract. Also called: Congenital anomalies of kidney and urinary tract; Congenital anomalies of the kidney and urinary tract. Identifiers: Orphanet 93545, MedGen C1968949, MeSH C566906, MONDO:0019719.

Allele frequency attached by ClinVar (database versions not stated): ESP Exome Variant Server 0.00077; 1000 Genomes Project 30x 0.00031; 1000 Genomes Project 0.00040; TOPMed 0.00052; ExAC 0.00040; gnomAD 0.00058.
gnomAD v4.1: 1,591 of 1,551,594 alleles (0.1%); highest among the groups gnomAD compares: Non-Finnish European, 0.13%; 3 homozygotes.

Submissions (8):

Women's Health and Genetics/Laboratory Corporation of America, LabCorp
Classification: Uncertain significance. Last evaluated: 2026-06-02. Review status: criteria provided, single submitter. Criteria: LabCorp Variant Classification Summary - May 2015. Collection method: clinical testing. Allele origin: germline.
Comment: Variant summary: FREM2 c.7535G>A (p.Arg2512His) results in a non-conservative amino acid change in the encoded protein sequence. Algorithms developed to predict the effect of missense changes on protein structure and function are either unavailable or do not agree on the potential impact of this missense change. The variant allele was found at a frequency of 0.00048 in 251370 control chromosomes. This frequency is not significantly higher than estimated for disease-causing variants in FREM2, allowing no conclusion about variant significance. c.7535G>A has been observed as a compound heterozygous genotype among mild recessive mutations identified in at-least one individual affected with isolated Congenital anomalies of the kidney and urinary tract (CAKUT) (example, Kohl_2014). This report does not provide unequivocal conclusions about association of the variant with disease. To our knowledge, no experimental evidence demonstrating an impact on protein function has been reported. The following publications have been ascertained in the context of this evaluation (PMID: 24700879, 30143558). ClinVar contains an entry for this variant (Variation ID: 435265). Based on the evidence outlined above, the variant was classified as uncertain significance.

Clinical Genomics Laboratory, Washington University in St. Louis
Classification: Uncertain significance for Fraser syndrome 2. Last evaluated: 2025-10-08. Review status: criteria provided, single submitter. Criteria: ACMG Guidelines, 2015. Collection method: clinical testing. Allele origin: germline.
Comment: The FREM2 c.7535G>A (p.Arg2512His) variant has been reported in an individual with right renal agenesis that harbored two additional FREM2 variants, unknown phase (Kohl S et al., PMID: 24700879). The highest population minor allele frequency in the population database genome aggregation database (v.4.1.0) is 0.13%, including 3 homozygotes, in the European non-Finnish population, which is higher than the disease incidence. This variant has been reported in the ClinVar database as a germline variant of uncertain significance by seven submitters. Due to limited information, and based on ACMG/AMP guidelines for variant interpretation (Richards S et al., PMID: 25741868), the clinical significance of this variant is uncertain at this time.

Labcorp Genetics (formerly Invitae), Labcorp
Classification: Uncertain significance. Last evaluated: 2024-05-29. Review status: criteria provided, single submitter. Criteria: Invitae Variant Classification Sherloc (09022015). Collection method: clinical testing. Allele origin: germline.
Comment: This sequence change replaces arginine, which is basic and polar, with histidine, which is basic and polar, at codon 2512 of the FREM2 protein (p.Arg2512His). This variant is present in population databases (rs61978626, gnomAD 0.08%), and has an allele count higher than expected for a pathogenic variant. This missense change has been observed in individual(s) with clinical features of FREM2-related conditions (PMID: 24700879). ClinVar contains an entry for this variant (Variation ID: 435265). An algorithm developed to predict the effect of missense changes on protein structure and function (PolyPhen-2) suggests that this variant is likely to be disruptive. In summary, the available evidence is currently insufficient to determine the role of this variant in disease. Therefore, it has been classified as a Variant of Uncertain Significance.

Fulgent Genetics
Classification: Uncertain significance for Isolated cryptophthalmia; Fraser syndrome 2. Last evaluated: 2024-03-26. Review status: criteria provided, single submitter. Criteria: ACMG Guidelines, 2015. Collection method: clinical testing. Allele origin: germline.

Department of Pathology and Laboratory Medicine, Sinai Health System
Classification: Uncertain significance for Isolated cryptophthalmia; Fraser syndrome 2. Last evaluated: 2021-08-25. Review status: criteria provided, single submitter. Criteria: ACMG Guidelines, 2015. Collection method: research. Allele origin: germline.

Illumina Laboratory Services, Illumina
Classification: Uncertain significance for Fraser syndrome 2. Last evaluated: 2018-01-13. Review status: criteria provided, single submitter. Criteria: ICSL Variant Classification Criteria 13 December 2019. Collection method: clinical testing. Allele origin: germline.

Genetic Services Laboratory, University of Chicago
Classification: Uncertain significance. Last evaluated: 2017-01-09. Review status: criteria provided, single submitter. Criteria: ACMG Guidelines, 2015. Collection method: clinical testing. Allele origin: germline. Affected: no.

Yale Center for Mendelian Genomics, Yale University
Classification: Likely pathogenic for Congenital anomaly of kidney and urinary tract. Last evaluated: 2018-08-24. Review status: no assertion criteria provided. Collection method: literature only. Allele origin: germline. Affected: yes. Observed: 1 compound heterozygote. Study: Yale Center for Mendelian Genomics. Not counted in ClinVar's aggregate classification.

Literature cited by the submitters: PubMed 24700879 (cited by Women's Health and Genetics/Laboratory Corporation of America, LabCorp and Labcorp Genetics (formerly Invitae), Labcorp); PubMed 30143558 (cited by Women's Health and Genetics/Laboratory Corporation of America, LabCorp and Yale Center for Mendelian Genomics, Yale University).